The following is an entry in ClinVar:

ClinVar aggregate classification (germline): Conflicting classifications of pathogenicity. Review status: criteria provided, conflicting classifications (1 of 4 stars). 11 submissions from 11 submitters: Uncertain significance (3); Likely benign (7). 1 of the submissions does not count toward it. Last evaluated 2026-01-13.

Conditions:
Cardiovascular phenotype. Identifiers: MedGen CN230736.
Cardiomyopathy (CMYO). Also called: Cardiomyopathies. Identifiers: Orphanet 167848, MedGen C0878544, MONDO:0004994, HP:0001638. Inheritance: Various modes of inheritance.
Hypertrophic cardiomyopathy 4. Also called: Familial hypertrophic cardiomyopathy 4. Identifiers: MedGen C1861862, MONDO:0007268, OMIM 115197.
Hypertrophic cardiomyopathy. Also called: HYPERTROPHIC MYOCARDIOPATHY. Identifiers: Orphanet 217569, MedGen C0007194, MeSH D002312, MONDO:0005045, HP:0001639.

Allele frequency attached by ClinVar (database versions not stated): TOPMed 0.00003; gnomAD 0.00004 and 0.00005; gnomAD exomes 0.00008 and 0.00014; ExAC 0.00022.
gnomAD v4.1: 126 of 1,566,584 alleles (0.008%); highest among the groups gnomAD compares: South Asian, 0.096%; 1 homozygote.

Submissions (11):

Labcorp Genetics (formerly Invitae), Labcorp
Classification: Likely benign for Hypertrophic cardiomyopathy. Last evaluated: 2026-01-13. Review status: criteria provided, single submitter. Criteria: Invitae Variant Classification Sherloc (09022015). Collection method: clinical testing. Allele origin: germline.

GeneDx
Classification: Uncertain significance. Last evaluated: 2025-05-07. Review status: criteria provided, single submitter. Criteria: GeneDx Variant Classification Process June 2021. Collection method: clinical testing. Allele origin: germline. Affected: yes.
Comment: Identified in individuals with cardiomyopathy and/or past history of sudden cardiac arrest (PMID: 28518168, 31110529, 32659924, 32841044, 36588553, 35653365, 37652022); In silico analysis supports that this missense variant has a deleterious effect on protein structure/function; This variant is associated with the following publications: (PMID: 31980526, 32659924, 27532257, 31110529, 35653365, 37652022, 36588553, 32841044, 28518168)

Women's Health and Genetics/Laboratory Corporation of America, LabCorp
Classification: Likely benign. Last evaluated: 2025-04-15. Review status: criteria provided, single submitter. Criteria: LabCorp Variant Classification Summary - May 2015. Collection method: clinical testing. Allele origin: germline.
Comment: Variant summary: MYBPC3 c.2381C>T (p.Pro794Leu) results in a non-conservative amino acid change in the encoded protein sequence. Four of four in-silico tools predict a damaging effect of the variant on protein function. The variant allele was found at a frequency of 8e-05 in 1566584 control chromosomes in the gnomAD (v4.1) database, including 1 homozygote. c.2381C>T has been observed in individuals affected with Cardiomyopathy (e.g., McGurk_2023). These reports do not provide unequivocal conclusions about association of the variant with Cardiomyopathy. To our knowledge, no experimental evidence demonstrating an impact on protein function has been reported. The following publication has been ascertained in the context of this evaluation (PMID: 37652022). ClinVar contains an entry for this variant (Variation ID: 180968). Based on the evidence outlined above, the variant was classified as likely benign.

Molecular Diagnostic Laboratory for Inherited Cardiovascular Disease, Montreal Heart Institute
Classification: Uncertain significance for Cardiovascular phenotype. Last evaluated: 2025-04-09. Review status: criteria provided, single submitter. Criteria: ACMG Guidelines, 2015. Collection method: clinical testing. Allele origin: germline. Affected: yes.

Blueprint Genetics
Classification: Likely benign. Last evaluated: 2024-11-21. Review status: criteria provided, single submitter. Criteria: ACMG Guidelines, 2015. Collection method: clinical testing. Allele origin: germline.

Ambry Genetics
Classification: Likely benign for Cardiovascular phenotype. Last evaluated: 2023-08-07. Review status: criteria provided, single submitter. Criteria: Ambry Variant Classification Scheme 2023. Collection method: clinical testing. Allele origin: germline.

CHEO Genetics Diagnostic Laboratory, Children's Hospital of Eastern Ontario
Classification: Likely benign for Cardiomyopathy. Last evaluated: 2023-04-04. Review status: criteria provided, single submitter. Criteria: ACMG Guidelines, 2015. Collection method: clinical testing. Allele origin: germline.

Color Diagnostics, LLC DBA Color Health
Classification: Likely benign for Cardiomyopathy. Last evaluated: 2020-02-20. Review status: criteria provided, single submitter. Criteria: ACMG Guidelines, 2015. Collection method: clinical testing. Allele origin: germline.

Laboratory for Molecular Medicine, Mass General Brigham Personalized Medicine
Classification: Likely benign. Last evaluated: 2019-12-09. Review status: criteria provided, single submitter. Criteria: ACMG Guidelines, 2015. Collection method: clinical testing. Allele origin: germline.
Comment: The p.Pro794Leu variant in MYBPC3 is classified as likely benign because it has been identified in 0.08% (19/24078) of South Asian chromosomes by gnomAD. ACMG/AMP Criteria applied: BS1.

Stanford Center for Inherited Cardiovascular Disease, Stanford University
Classification: Uncertain significance. Last evaluated: 2017-11-01. Review status: criteria provided, single submitter. Criteria: ACMG Guidelines, 2015. Collection method: provider interpretation. Allele origin: germline.

Genomic Medicine Center of Excellence, King Faisal Specialist Hospital and Research Centre
Classification: Likely pathogenic for Hypertrophic cardiomyopathy 4. Last evaluated: 2024-04-04. Review status: flagged submission. Criteria: ACMG Guidelines, 2015. Collection method: clinical testing. Allele origin: germline. Not counted in ClinVar's aggregate classification.
ClinVar note: Reason: Outlier claim with insufficient supporting evidence

Literature cited by the submitters: PubMed 37652022 (cited by Women's Health and Genetics/Laboratory Corporation of America, LabCorp); PubMed 28518168 (cited by Ambry Genetics); PubMed 31110529 (cited by Ambry Genetics); PubMed 32659924 (cited by Ambry Genetics); PubMed 32841044 (cited by Ambry Genetics); PubMed 35653365 (cited by Ambry Genetics); PubMed 36588553 (cited by Ambry Genetics).

NM_000256.3(MYBPC3):c.2381C>T (p.Pro794Leu)

Gene: MYBPC3 (myosin binding protein C3; minus strand). Cytogenetic location: 11p11.2.
Variant type: single nucleotide variant.
Coding change: c.2381C>T on transcript NM_000256.3 (MANE Select); coding-DNA position 2381, C replaced by T.
Protein change: p.Pro794Leu; replaces proline 794 with leucine.
Molecular consequence: missense variant.
Genome position (GRCh38, 1-based): chr11:47,337,722, G>A on the plus strand (C>T on the coding strand, the complement: MYBPC3 is on the minus strand). VCF-style: chr11-47337722-G-A. GRCh37 (hg19) VCF-style: chr11-47359273-G-A.
Other names: short protein forms P794L.
Identifiers: ClinVar variation 180968 (VCV000180968.34), dbSNP rs730880565, ClinGen allele CA012173.